The following is an entry in ClinVar:

ClinVar aggregate classification (germline): Pathogenic (1 of 4 stars; one submission).

Allele frequency attached by ClinVar (database versions not stated): gnomAD exomes below 0.00001; TOPMed below 0.00001; gnomAD 0.00001.
gnomAD v4.1: 4 of 1,612,594 alleles (0.00025%); highest among the groups gnomAD compares: Non-Finnish European, 0.000085%; no homozygotes.

Submission:

Labcorp Genetics (formerly Invitae), Labcorp
Classification: Pathogenic. Last evaluated: 2024-12-18. Review status: criteria provided, single submitter. Criteria: Invitae Variant Classification Sherloc (09022015). Collection method: clinical testing. Allele origin: germline.
Comment: This sequence change creates a premature translational stop signal (p.Lys3531*) in the DNAH9 gene. It is expected to result in an absent or disrupted protein product. Loss-of-function variants in DNAH9 are known to be pathogenic (PMID: 30471718). This variant is not present in population databases (gnomAD no frequency). This variant has not been reported in the literature in individuals affected with DNAH9-related conditions. ClinVar contains an entry for this variant (Variation ID: 2777040). For these reasons, this variant has been classified as Pathogenic.

Literature cited by the submitters: PubMed 30471718.

NM_001372.4(DNAH9):c.10591A>T (p.Lys3531Ter)

Genes: DNAH9 (dynein axonemal heavy chain 9; plus strand), LOC101928350 (uncharacterized LOC101928350; minus strand). Cytogenetic location: 17p12.
Variant type: single nucleotide variant.
Coding change: c.10591A>T on transcript NM_001372.4 (MANE Select); coding-DNA position 10591, A replaced by T.
Protein change: p.Lys3531Ter; replaces lysine 3531 with a stop codon.
Molecular consequence: nonsense.
Genome position (GRCh38, 1-based): chr17:11,880,190, A>T. VCF-style: chr17-11880190-A-T. GRCh37 (hg19) VCF-style: chr17-11783507-A-T.
Other names: short protein forms K3531*.
Identifiers: ClinVar variation 2777040 (VCV002777040.3), dbSNP rs200261738, ClinGen allele CA288011002.